The following is an entry in ClinVar:

NM_177438.3(DICER1):c.2268_2271del (p.Glu755_Cys756insTer)

Gene: DICER1 (dicer 1, ribonuclease III; minus strand). Cytogenetic location: 14q32.13.
Variant type: Deletion.
Coding change: c.2268_2271del on transcript NM_177438.3 (MANE Select); coding-DNA positions 2268 to 2271, 4 bases deleted (TTTG; older notation c.2268_2271delTTTG).
Protein change: p.Glu755_Cys756insTer.
Molecular consequence: nonsense.
Genome position (GRCh38, 1-based): chr14:95,108,489-95,108,492, CAAA deleted on the plus strand (TTTG on the coding strand, the reverse complement: DICER1 is on the minus strand); deleting any 4 consecutive bases within chr14:95,108,489-95,108,494 gives the same sequence; the c. name uses the placement nearest the transcript's 3' end. VCF-style (leftmost placement, unchanged base first): chr14-95108488-TCAAA-T. GRCh37 (hg19) VCF-style: chr14-95574825-TCAAA-T.
Other names: c.2268_2271del, p.Glu755_Cys756insTer (NM_001195573.1, NM_001271282.3, NM_001291628.2 and 1 more transcripts).
Identifiers: ClinVar variation 933011 (VCV000933011.3), dbSNP rs1891664027, ClinGen allele CA1139663661.

ClinVar aggregate classification (germline): Pathogenic (1 of 4 stars; one submission).

Conditions:
DICER1-related tumor predisposition. Also called: DICER1-related pleuropulmonary blastoma cancer predisposition syndrome; DICER1 syndrome. Identifiers: Orphanet 284343, MedGen C3839822, MONDO:0100216.

Submission:

Foulkes Cancer Genetics LDI, Lady Davis Institute for Medical Research
Classification: Pathogenic for Pleuropulmonary blastoma. Last evaluated: 2019-07-01. Review status: criteria provided, single submitter. Criteria: ACMG Guidelines, 2015. Collection method: curation. Allele origin: germline. Affected: yes. Observed: 1 variant allele.
Comment: ACMG criteria met: PVS1, PM2, PP4

Literature cited by the submitters: PubMed 21266384.